The following is an entry in ClinVar:

NM_001042492.3(NF1):c.3218T>G (p.Met1073Arg)

Gene: NF1 (neurofibromin 1; plus strand). Cytogenetic location: 17q11.2.
Variant type: single nucleotide variant.
Coding change: c.3218T>G on transcript NM_001042492.3 (MANE Select); coding-DNA position 3218, T replaced by G.
Protein change: p.Met1073Arg; replaces methionine 1073 with arginine.
Molecular consequence: missense variant.
Genome position (GRCh38, 1-based): chr17:31,232,093, T>G. VCF-style: chr17-31232093-T-G. GRCh37 (hg19) VCF-style: chr17-29559111-T-G.
Other names: c.3218T>G, p.Met1073Arg (NM_000267.4); short protein forms M1073R.
Identifiers: ClinVar variation 484143 (VCV000484143.6), dbSNP rs1555614827, ClinGen allele CA398988645.

ClinVar aggregate classification (germline): Uncertain significance (1 of 4 stars; one submission).

Conditions:
Cardiovascular phenotype. Identifiers: MedGen CN230736.
Hereditary cancer-predisposing syndrome. Also called: Neoplastic Syndromes, Hereditary; Tumor predisposition; Hereditary Cancer Syndrome; Hereditary neoplastic syndrome. Identifiers: Orphanet 140162, MedGen C0027672, MeSH D009386, MONDO:0015356.

Submission:

Ambry Genetics
Classification: Uncertain significance for Cardiovascular phenotype; Hereditary cancer-predisposing syndrome. Last evaluated: 2024-12-26. Review status: criteria provided, single submitter. Criteria: Ambry Variant Classification Scheme 2023. Collection method: clinical testing. Allele origin: germline.
Comment: The p.M1073R variant (also known as c.3218T>G), located in coding exon 25 of the NF1 gene, results from a T to G substitution at nucleotide position 3218. The methionine at codon 1073 is replaced by arginine, an amino acid with similar properties. This amino acid position is highly conserved in available vertebrate species. In addition, the in silico prediction for this alteration is inconclusive. Based on the available evidence, the clinical significance of this variant remains unclear.